The following is an entry in ClinVar:

ClinVar aggregate classification (germline): Benign/Likely benign. Review status: criteria provided, multiple submitters, no conflicts (2 of 4 stars). 4 submissions from 4 submitters: Benign (1); Likely benign (2). 1 of the submissions does not count toward it. Last evaluated 2026-02-04.

Conditions:
Nemaline myopathy 2 (NEM2). Also called: Nemaline myopathy 2, autosomal recessive. Identifiers: MedGen C1850569, MONDO:0009725, OMIM 256030.
NEB-related disorder. Also called: NEB-Related Disorders; NEB-related condition.

Allele frequency attached by ClinVar (database versions not stated): ESP Exome Variant Server 0.00044; 1000 Genomes Project 0.00060; 1000 Genomes Project 30x 0.00078; gnomAD 0.00084 and 0.00096; TOPMed 0.00088.
gnomAD v4.1: 240 of 1,613,962 alleles (0.015%); highest among the groups gnomAD compares: African/African-American, 0.31%; 1 homozygote.

Submissions (4):

Labcorp Genetics (formerly Invitae), Labcorp
Classification: Benign for Nemaline myopathy 2. Last evaluated: 2026-02-04. Review status: criteria provided, single submitter. Criteria: Invitae Variant Classification Sherloc (09022015). Collection method: clinical testing. Allele origin: germline.

Blueprint Genetics
Classification: Likely benign. Last evaluated: 2024-08-30. Review status: criteria provided, single submitter. Criteria: ACMG Guidelines, 2015. Collection method: clinical testing. Allele origin: germline.

Athena Diagnostics
Classification: Likely benign. Last evaluated: 2018-06-11. Review status: criteria provided, single submitter. Criteria: Athena Diagnostics Criteria. Collection method: clinical testing. Allele origin: germline.

PreventionGenetics, part of Exact Sciences
Classification: Likely benign for NEB-related condition. Last evaluated: 2020-01-21. Review status: no assertion criteria provided. Collection method: clinical testing. Allele origin: germline. Not counted in ClinVar's aggregate classification.
Comment: This variant is classified as likely benign based on ACMG/AMP sequence variant interpretation guidelines (Richards et al. 2015 PMID: 25741868, with internal and published modifications).

NM_001164508.2(NEB):c.9315C>A (p.Val3105=)

Gene: NEB (nebulin; minus strand). Cytogenetic location: 2q23.3.
Variant type: single nucleotide variant.
Coding change: c.9315C>A on transcript NM_001164508.2 (MANE Select); coding-DNA position 9315, C replaced by A.
Protein change: p.Val3105=; no amino-acid change (valine 3105 retained).
Molecular consequence: synonymous variant. On other transcripts: intron variant (1).
Genome position (GRCh38, 1-based): chr2:151,633,753, G>T on the plus strand (C>A on the coding strand, the complement: NEB is on the minus strand). VCF-style: chr2-151633753-G-T. GRCh37 (hg19) VCF-style: chr2-152490267-G-T.
Other names: c.9315C>A, p.Val3105= (NM_001164507.2, NM_001271208.2); c.8854-2575C>A (NM_004543.5).
Identifiers: ClinVar variation 465652 (VCV000465652.16), dbSNP rs371174518, ClinGen allele CA1909365.
Genomic context (GRCh38, chr2:151,633,753, plus strand): 5'-ATCGCTCTGGTCAGGCAGGCATGTCCACTCGTGCAGGTAGTTCTTATAGTCCACGTCACT[G>T]ACTAAGGTCTGGCACTTCTTGGCCAGCACCACCCCCAGCATGTCCACTGGGCTGCTGAAC-3'
Protein context (NP_001157980.2, residues 3095-3115): VVLAKKCQTL[Val3105=]SDVDYKNYLH